The following is an entry in ClinVar:

ClinVar aggregate classification (germline): Likely benign. Review status: criteria provided, multiple submitters, no conflicts (2 of 4 stars). 3 submissions from 3 submitters: Likely benign (3). Last evaluated 2022-11-01.

Allele frequency attached by ClinVar (database versions not stated): 1000 Genomes Project 0.00240; 1000 Genomes Project 30x 0.00250; gnomAD exomes 0.00508; ESP Exome Variant Server 0.00515; gnomAD 0.00545; TOPMed 0.00553.
gnomAD v4.1: 11,802 of 1,613,370 alleles (0.73%); highest among the groups gnomAD compares: Non-Finnish European, 0.89%; 55 homozygotes.

Submissions (13):

CeGaT Center for Human Genetics Tuebingen
Classification: Likely benign. Last evaluated: 2022-11-01. Review status: criteria provided, single submitter. Criteria: CeGaT Center For Human Genetics Tuebingen Variant Classification Criteria Version 2. Collection method: clinical testing. Allele origin: germline. Affected: yes. Observed: 1 variant allele.
Comment: ADAMTSL3: BS2

Labcorp Genetics (formerly Invitae), Labcorp
Classification: Likely benign. Last evaluated: 2019-12-31. Review status: criteria provided, single submitter. Criteria: Invitae Variant Classification Sherloc (09022015). Collection method: clinical testing. Allele origin: germline.

Breakthrough Genomics
Classification: Likely benign. Review status: criteria provided, single submitter. Criteria: ACMG Guidelines, 2015. Collection method: not provided. Allele origin: germline. Inheritance: Unknown mechanism. Affected: yes.

Dr. Peter K. Rogan Lab, Western University
No classification provided (evidence only). Condition: Lung cancer. Review status: no classification provided. Collection method: in vitro. Allele origin: not applicable. Functional consequence: retained intron. Not counted in ClinVar's aggregate classification.

Dr. Peter K. Rogan Lab, Western University
No classification provided (evidence only). Condition: Lung cancer. Review status: no classification provided. Collection method: in vitro. Allele origin: not applicable. Functional consequence: retained intron. Not counted in ClinVar's aggregate classification.

Dr. Peter K. Rogan Lab, Western University
No classification provided (evidence only). Condition: Colon adenocarcinoma. Review status: no classification provided. Collection method: in vitro. Allele origin: not applicable. Functional consequence: retained intron. Not counted in ClinVar's aggregate classification.

Dr. Peter K. Rogan Lab, Western University
No classification provided (evidence only). Condition: Thyroid cancer, nonmedullary, 1. Review status: no classification provided. Collection method: in vitro. Allele origin: not applicable. Functional consequence: retained intron. Not counted in ClinVar's aggregate classification.

Dr. Peter K. Rogan Lab, Western University
No classification provided (evidence only). Condition: Thyroid cancer, nonmedullary, 1. Review status: no classification provided. Collection method: in vitro. Allele origin: not applicable. Functional consequence: retained intron. Not counted in ClinVar's aggregate classification.

Dr. Peter K. Rogan Lab, Western University
No classification provided (evidence only). Condition: Thyroid cancer, nonmedullary, 1. Review status: no classification provided. Collection method: in vitro. Allele origin: not applicable. Functional consequence: skipped exon. Not counted in ClinVar's aggregate classification.

Dr. Peter K. Rogan Lab, Western University
No classification provided (evidence only). Condition: Cervical cancer. Review status: no classification provided. Collection method: in vitro. Allele origin: not applicable. Functional consequence: retained intron. Not counted in ClinVar's aggregate classification.

Dr. Peter K. Rogan Lab, Western University
No classification provided (evidence only). Condition: Sarcoma. Review status: no classification provided. Collection method: in vitro. Allele origin: not applicable. Functional consequence: retained intron. Not counted in ClinVar's aggregate classification.

Dr. Peter K. Rogan Lab, Western University
No classification provided (evidence only). Condition: Sarcoma. Review status: no classification provided. Collection method: in vitro. Allele origin: not applicable. Functional consequence: retained intron. Not counted in ClinVar's aggregate classification.

Dr. Peter K. Rogan Lab, Western University
No classification provided (evidence only). Condition: Sarcoma. Review status: no classification provided. Collection method: in vitro. Allele origin: not applicable. Functional consequence: retained intron. Not counted in ClinVar's aggregate classification.

NM_207517.3(ADAMTSL3):c.4969+5G>A

Gene: ADAMTSL3 (ADAMTS like 3; plus strand). Cytogenetic location: 15q25.2.
Variant type: single nucleotide variant.
Coding change: c.4969+5G>A on transcript NM_207517.3 (MANE Select); 5 bases into the intron after coding-DNA position 4969, G replaced by A.
Molecular consequence: intron variant. On other transcripts: synonymous variant (1).
Genome position (GRCh38, 1-based): chr15:84,036,992, G>A. VCF-style: chr15-84036992-G-A. GRCh37 (hg19) VCF-style: chr15-84705744-G-A.
Other names: NC_000015.9:g.84705744G>A; c.4974G>A, p.Thr1658= (NM_001301110.2).
Identifiers: ClinVar variation 788897 (VCV000788897.30), dbSNP rs62026486, ClinGen allele CA7706047.
Genomic context (GRCh38, chr15:84,036,992, plus strand): 5'-TGTACAGAAAAAGAAACCAATTTCCTGGCGGCACTGTCTTGGGCCCTCCTGTGATAGTAC[G>A]TACACCTCCCAGGTATCTCCACTGCCCCAGAGGCCTTGATGGCATCAGATCCTGATGCTA-3'